The following is an entry in ClinVar:

ClinVar aggregate classification (germline): Uncertain significance (1 of 4 stars; one submission).

Submission:

Labcorp Genetics (formerly Invitae), Labcorp
Classification: Uncertain significance. Last evaluated: 2024-03-31. Review status: criteria provided, single submitter. Criteria: Invitae Variant Classification Sherloc (09022015). Collection method: clinical testing. Allele origin: germline.
Comment: This variant, c.1285_1287del, results in the deletion of 1 amino acid(s) of the DNA2 protein (p.Glu429del), but otherwise preserves the integrity of the reading frame. This variant is not present in population databases (gnomAD no frequency). This variant has not been reported in the literature in individuals affected with DNA2-related conditions. Experimental studies and prediction algorithms are not available or were not evaluated, and the functional significance of this variant is currently unknown. Algorithms developed to predict the effect of sequence changes on RNA splicing suggest that this variant may disrupt the consensus splice site. In summary, the available evidence is currently insufficient to determine the role of this variant in disease. Therefore, it has been classified as a Variant of Uncertain Significance.

NM_001080449.3(DNA2):c.1279GAA[2] (p.Glu429del)

Gene: DNA2 (DNA replication helicase/nuclease 2; minus strand). Cytogenetic location: 10q21.3.
Variant type: Microsatellite.
Coding change: c.1279GAA[2] on transcript NM_001080449.3 (MANE Select); two copies in a row of the 3-base unit GAA starting at c.1279; the reference has three copies in a row; one copy, 3 bases deleted.
Protein change: p.Glu429del; deletes glutamic acid 429.
Molecular consequence: non-coding transcript variant (on NR_102264.2).
Genome position (GRCh38, 1-based): chr10:68,443,045-68,443,047, TTC deleted on the plus strand (GAA on the coding strand, the reverse complement: DNA2 is on the minus strand); deleting any 3 consecutive bases within chr10:68,443,045-68,443,054 gives the same sequence; the position shown is the placement nearest the transcript's 3' end. VCF-style (leftmost placement, unchanged base first): chr10-68443044-TTTC-T. GRCh37 (hg19) VCF-style: chr10-70202801-TTTC-T.
Other names: short protein forms E429del.
Identifiers: ClinVar variation 3675730 (VCV003675730.2).
Genomic context (GRCh38, chr10:68,443,044, plus strand): 5'-GGGTTAACATTAGACACCAAAGGCTGAAATATTCTAAGTGTGTTTGCTTCAGATGCTGGG[TTTC>T]TTCTTCTATTTTGGGCAGCATCACAATTGGGACTGAACTACAATCCATCTGTTGTTCAAC-3'